The following is an entry in ClinVar:

NM_033641.4(COL4A6):c.1727A>G (p.Lys576Arg)

Gene: COL4A6 (collagen type IV alpha 6 chain; minus strand). Cytogenetic location: Xq22.3.
Variant type: single nucleotide variant.
Coding change: c.1727A>G on transcript NM_033641.4 (MANE Select); coding-DNA position 1727, A replaced by G.
Protein change: p.Lys576Arg; replaces lysine 576 with arginine.
Molecular consequence: missense variant.
Genome position (GRCh38, 1-based): chrX:108,187,888, T>C on the plus strand (A>G on the coding strand, the complement: COL4A6 is on the minus strand). VCF-style: chrX-108187888-T-C. GRCh37 (hg19) VCF-style: chrX-107431118-T-C.
Other names: c.1730A>G (NM_001847.2); c.1727A>G, p.Lys576Arg (NM_001287758.2, NM_001287759.2, NM_001287760.2); c.1730A>G, p.Lys577Arg (NM_001847.4); short protein forms K576R, K577R.
Identifiers: ClinVar variation 2732088 (VCV002732088.4), dbSNP rs779086705, ClinGen allele CA10487782.
Genomic context (GRCh38, chrX:108,187,888, plus strand): 5'-CCTAGGAACGATCAACTTACCGGAAGGCCTGGCAGACCTGGTAAACCTGGTACTCCGTCC[T>C]TGCCTGGTTCTCCTATTACACCACGGAAGCCCTGGGAGCCAGAATCACCCCGATCTCCTG-3'
Protein context (NP_378667.1, residues 566-586): GFRGVIGEPG[Lys576Arg]DGVPGLPGLP

ClinVar aggregate classification (germline): Uncertain significance. Review status: criteria provided, multiple submitters, no conflicts (2 of 4 stars). 2 submissions from 2 submitters: Uncertain significance (2). Last evaluated 2024-08-15.

Allele frequency attached by ClinVar (database versions not stated): gnomAD 0.00001; gnomAD exomes 0.00002; ExAC 0.00005; TOPMed 0.00006.
gnomAD v4.1: 10 of 1,207,440 alleles (0.00083%); highest among the groups gnomAD compares: Admixed American, 0.022%; no homozygotes.

Submissions (2):

Ambry Genetics
Classification: Uncertain significance. Last evaluated: 2024-08-15. Review status: criteria provided, single submitter. Criteria: Ambry Variant Classification Scheme 2023. Collection method: clinical testing. Allele origin: germline.

Labcorp Genetics (formerly Invitae), Labcorp
Classification: Uncertain significance. Last evaluated: 2023-06-10. Review status: criteria provided, single submitter. Criteria: Invitae Variant Classification Sherloc (09022015). Collection method: clinical testing. Allele origin: germline.
Comment: Advanced modeling of protein sequence and biophysical properties (such as structural, functional, and spatial information, amino acid conservation, physicochemical variation, residue mobility, and thermodynamic stability) performed at Invitae indicates that this missense variant is not expected to disrupt COL4A6 protein function. This variant has not been reported in the literature in individuals affected with COL4A6-related conditions. This variant is present in population databases (rs779086705, gnomAD 0.03%). This sequence change replaces lysine, which is basic and polar, with arginine, which is basic and polar, at codon 577 of the COL4A6 protein (p.Lys577Arg). In summary, the available evidence is currently insufficient to determine the role of this variant in disease. Therefore, it has been classified as a Variant of Uncertain Significance.